The following is an entry in ClinVar:

NM_170606.3(KMT2C):c.11632_11633insG (p.Met3878fs)

Gene: KMT2C (lysine methyltransferase 2C; minus strand). Cytogenetic location: 7q36.1.
Variant type: Insertion.
Coding change: c.11632_11633insG on transcript NM_170606.3 (MANE Select); coding-DNA positions 11632 to 11633, G inserted.
Protein change: p.Met3878fs; shifts the reading frame from methionine 3878.
Molecular consequence: frameshift variant.
Genome position: GRCh38 VCF-style: chr7-152158900-A-AC. GRCh37 (hg19) VCF-style: chr7-151855985-A-AC.
Other names: short protein forms M3878fs.
Identifiers: ClinVar variation 424130 (VCV000424130.2), dbSNP rs1064796813, ClinGen allele CA16618421.

ClinVar aggregate classification (germline): Likely pathogenic (1 of 4 stars; one submission).

Submission:

GeneDx
Classification: Likely pathogenic. Last evaluated: 2017-03-01. Review status: criteria provided, single submitter. Criteria: GeneDx Variant Classification (06012015). Collection method: clinical testing. Allele origin: germline. Affected: yes.
Comment: The c.11632_11633insG variant in the KMT2C gene has not been reported previously as a pathogenic variant nor as a benign variant, to our knowledge. The c.11632_11633insG variant causes a frameshift starting with codon Methionine 3878, changes this amino acid to a Serine residue, and creates a premature Stop codon at position 4 of the new reading frame, denoted p.Met3878SerfsX4. This variant is predicted to cause loss of normal protein function either through protein truncation or nonsense-mediated mRNA decay. The c.11632_11633insG variant is not observed in large population cohorts (Lek et al., 2016; 1000 Genomes Consortium et al., 2015; Exome Variant Server). We interpret c.11632_11633insG as a likely pathogenic variant, which may be related to the developmental delays reported in this individual.